The following is an entry in ClinVar:

ClinVar aggregate classification (germline): Likely benign (1 of 4 stars; one submission).

Allele frequency attached by ClinVar (database versions not stated): gnomAD exomes below 0.00001.
gnomAD v4.1: 1 of 1,614,162 alleles (0.000062%); no homozygotes.

Submission:

GeneDx
Classification: Likely benign. Last evaluated: 2017-09-07. Review status: criteria provided, single submitter. Criteria: GeneDx Variant Classification (06012015). Collection method: clinical testing. Allele origin: germline. Affected: yes.
Comment: This variant is considered likely benign or benign based on one or more of the following criteria: it is a conservative change, it occurs at a poorly conserved position in the protein, it is predicted to be benign by multiple in silico algorithms, and/or has population frequency not consistent with disease.

NM_005609.4(PYGM):c.2400G>A (p.Arg800=)

Gene: PYGM (glycogen phosphorylase, muscle associated; minus strand). Cytogenetic location: 11q13.1.
Variant type: single nucleotide variant.
Coding change: c.2400G>A on transcript NM_005609.4 (MANE Select); coding-DNA position 2400, G replaced by A.
Protein change: p.Arg800=; no amino-acid change (arginine 800 retained).
Molecular consequence: synonymous variant.
Genome position (GRCh38, 1-based): chr11:64,746,788, C>T on the plus strand (G>A on the coding strand, the complement: PYGM is on the minus strand). VCF-style: chr11-64746788-C-T. GRCh37 (hg19) VCF-style: chr11-64514260-C-T.
Other names: c.2136G>A, p.Arg712= (NM_001164716.1).
Identifiers: ClinVar variation 511927 (VCV000511927.1), dbSNP rs1555133225, ClinGen allele CA474958513.